The following is an entry in ClinVar:

NM_033380.3(COL4A5):c.4228C>T (p.Pro1410Ser)

Gene: COL4A5 (collagen type IV alpha 5 chain; plus strand). Cytogenetic location: Xq22.3.
Variant type: single nucleotide variant.
Coding change: c.4228C>T on transcript NM_033380.3 (MANE Select); coding-DNA position 4228, C replaced by T.
Protein change: p.Pro1410Ser; replaces proline 1410 with serine.
Molecular consequence: missense variant.
Genome position (GRCh38, 1-based): chrX:108,686,042, C>T. VCF-style: chrX-108686042-C-T. GRCh37 (hg19) VCF-style: chrX-107929272-C-T.
Other names: c.4210C>T, p.Pro1404Ser (NM_000495.5); short protein forms P1404S, P1410S.
Identifiers: ClinVar variation 1718573 (VCV001718573.3), dbSNP rs2524628375, ClinGen allele CA413853384.
Genomic context (GRCh38, chrX:108,686,042, plus strand): 5'-ATGTGAAAATATTCTACTCATATTTGAATGCCTCATTCTTTTCCTGTAGGTCCAACTGGC[C>T]CTCCAGGAGATCCTGGACGCAATGGACTCCCTGGCTTTGATGGTGCAGGAGGGCGCAAAG-3'
Protein context (NP_203699.1, residues 1400-1420): GPQGLPGPTG[Pro1410Ser]PGDPGRNGLP

ClinVar aggregate classification (germline): Uncertain significance (1 of 4 stars; one submission).

Allele frequency attached by ClinVar (database versions not stated): gnomAD exomes below 0.00001.
gnomAD v4.1: 1 of 1,209,970 alleles (0.000083%); highest among the groups gnomAD compares: South Asian, 0.0018%; no homozygotes.

Submission:

Labcorp Genetics (formerly Invitae), Labcorp
Classification: Uncertain significance. Last evaluated: 2022-09-01. Review status: criteria provided, single submitter. Criteria: Invitae Variant Classification Sherloc (09022015). Collection method: clinical testing. Allele origin: germline.
Comment: This sequence change replaces proline, which is neutral and non-polar, with serine, which is neutral and polar, at codon 1404 of the COL4A5 protein (p.Pro1404Ser). This variant is not present in population databases (gnomAD no frequency). This variant has not been reported in the literature in individuals affected with COL4A5-related conditions. Advanced modeling of protein sequence and biophysical properties (such as structural, functional, and spatial information, amino acid conservation, physicochemical variation, residue mobility, and thermodynamic stability) performed at Invitae indicates that this missense variant is not expected to disrupt COL4A5 protein function. In summary, the available evidence is currently insufficient to determine the role of this variant in disease. Therefore, it has been classified as a Variant of Uncertain Significance.